The following is an entry in ClinVar:

NM_001458.5(FLNC):c.1730G>A (p.Trp577Ter)

Gene: FLNC (filamin C; plus strand). Cytogenetic location: 7q32.1.
Variant type: single nucleotide variant.
Coding change: c.1730G>A on transcript NM_001458.5 (MANE Select); coding-DNA position 1730, G replaced by A.
Protein change: p.Trp577Ter; replaces tryptophan 577 with a stop codon.
Molecular consequence: nonsense.
Genome position (GRCh38, 1-based): chr7:128,840,887, G>A. VCF-style: chr7-128840887-G-A. GRCh37 (hg19) VCF-style: chr7-128480941-G-A.
Other names: c.1730G>A, p.Trp577Ter (NM_001127487.2); short protein forms W577*.
Identifiers: ClinVar variation 1451045 (VCV001451045.6), dbSNP rs2128935124, ClinGen allele CA369226950.
Genomic context (GRCh38, chr7:128,840,887, plus strand): 5'-TGCCCAGCCCCTTTGAGGTACAGGTGAGCCCAGAGGCAGGAGTGCAAAAGGTCCGGGCCT[G>A]GGGTCCTGGTTTGGAGACTGGCCAGGTGGGCAAGTCAGCCGATTTTGTGGTGGAAGCCAT-3'

ClinVar aggregate classification (germline): Pathogenic (1 of 4 stars; one submission).

Conditions:
Hypertrophic cardiomyopathy 26. Also called: Cardiomyopathy, familial hypertrophic, 26. Identifiers: Orphanet 75249, MedGen C4310749, MONDO:0014883, OMIM 617047.
Myofibrillar myopathy 5. Also called: Filaminopathy (type); FILAMINOPATHY, AUTOSOMAL DOMINANT. Identifiers: Orphanet 171445, MedGen C1836050, MONDO:0012289, OMIM 609524.
Distal myopathy with posterior leg and anterior hand involvement. Also called: WILLIAMS DISTAL MYOPATHY. Identifiers: Orphanet 63273, MedGen C3279722, MONDO:0013550, OMIM 614065.

Submission:

Labcorp Genetics (formerly Invitae), Labcorp
Classification: Pathogenic for Distal myopathy with posterior leg and anterior hand involvement; Myofibrillar myopathy 5; Hypertrophic cardiomyopathy 26. Last evaluated: 2022-06-27. Review status: criteria provided, single submitter. Criteria: Invitae Variant Classification Sherloc (09022015). Collection method: clinical testing. Allele origin: germline.
Comment: For these reasons, this variant has been classified as Pathogenic. Algorithms developed to predict the effect of sequence changes on RNA splicing suggest that this variant may create or strengthen a splice site. This variant has not been reported in the literature in individuals affected with FLNC-related conditions. This variant is not present in population databases (gnomAD no frequency). This sequence change creates a premature translational stop signal (p.Trp577*) in the FLNC gene. It is expected to result in an absent or disrupted protein product. Loss-of-function variants in FLNC are known to be pathogenic (PMID: 27908349).

Literature cited by the submitters: PubMed 27908349.